The following is an entry in ClinVar:

ClinVar aggregate classification (germline): Uncertain significance (1 of 4 stars; one submission).

Conditions:
Norman-Roberts syndrome (LIS2). Also called: Lissencephaly 2 (Norman-Roberts type). Identifiers: Orphanet 89844, MedGen C0796089, MONDO:0009760, OMIM 257320.
Familial temporal lobe epilepsy 7. Identifiers: Orphanet 101046, MedGen C4225327, MONDO:0014639, OMIM 616436.

Submission:

Labcorp Genetics (formerly Invitae), Labcorp
Classification: Uncertain significance for Familial temporal lobe epilepsy 7; Norman-Roberts syndrome. Last evaluated: 2025-02-23. Review status: criteria provided, single submitter. Criteria: Invitae Variant Classification Sherloc (09022015). Collection method: clinical testing. Allele origin: germline.
Comment: This sequence change replaces histidine, which is basic and polar, with aspartic acid, which is acidic and polar, at codon 846 of the RELN protein (p.His846Asp). This variant is not present in population databases (gnomAD no frequency). This variant has not been reported in the literature in individuals affected with RELN-related conditions. Invitae Evidence Modeling of protein sequence and biophysical properties (such as structural, functional, and spatial information, amino acid conservation, physicochemical variation, residue mobility, and thermodynamic stability) indicates that this missense variant is not expected to disrupt RELN protein function with a negative predictive value of 80%. In summary, the available evidence is currently insufficient to determine the role of this variant in disease. Therefore, it has been classified as a Variant of Uncertain Significance.

NM_005045.4(RELN):c.2536C>G (p.His846Asp)

Gene: RELN (reelin; minus strand). Cytogenetic location: 7q22.1.
Variant type: single nucleotide variant.
Coding change: c.2536C>G on transcript NM_005045.4 (MANE Select); coding-DNA position 2536, C replaced by G.
Protein change: p.His846Asp; replaces histidine 846 with aspartic acid.
Molecular consequence: missense variant.
Genome position (GRCh38, 1-based): chr7:103,630,106, G>C on the plus strand (C>G on the coding strand, the complement: RELN is on the minus strand). VCF-style: chr7-103630106-G-C. GRCh37 (hg19) VCF-style: chr7-103270553-G-C.
Other names: c.2536C>G, p.His846Asp (NM_173054.3); short protein forms H846D.
Identifiers: ClinVar variation 4783205 (VCV004783205.1).